The following is an entry in ClinVar:

ClinVar aggregate classification (germline): Benign (1 of 4 stars; one submission).

Allele frequency attached by ClinVar (database versions not stated): gnomAD 0.37668 and 0.38361; TOPMed 0.42404; 1000 Genomes Project 30x 0.58210; 1000 Genomes Project 0.58490.
gnomAD v4.1: 42,508 of 111,255 alleles (38%); highest among the groups gnomAD compares: East Asian, 76%; 8,004 homozygotes.

Submission:

GeneDx
Classification: Benign. Last evaluated: 2018-06-14. Review status: criteria provided, single submitter. Criteria: GeneDx Variant Classification (06012015). Collection method: clinical testing. Allele origin: germline. Affected: yes.
Comment: This variant is considered likely benign or benign based on one or more of the following criteria: it is a conservative change, it occurs at a poorly conserved position in the protein, it is predicted to be benign by multiple in silico algorithms, and/or has population frequency not consistent with disease.

NM_005334.3(HCFC1):c.797+247T>C

Gene: HCFC1 (host cell factor C1; minus strand). Cytogenetic location: Xq28.
Variant type: single nucleotide variant.
Coding change: c.797+247T>C on transcript NM_005334.3 (MANE Select); 247 bases into the intron after coding-DNA position 797, T replaced by C.
Molecular consequence: intron variant.
Genome position (GRCh38, 1-based): chrX:153,961,975, A>G on the plus strand (T>C on the coding strand, the complement: HCFC1 is on the minus strand). VCF-style: chrX-153961975-A-G. GRCh37 (hg19) VCF-style: chrX-153227426-A-G.
Identifiers: ClinVar variation 671518 (VCV000671518.1), dbSNP rs17422, ClinGen allele CA15056165.